The following is an entry in ClinVar:

NM_004655.4(AXIN2):c.2430T>C (p.Asp810=)

Gene: AXIN2 (axin 2; minus strand). Cytogenetic location: 17q24.1.
Variant type: single nucleotide variant.
Coding change: c.2430T>C on transcript NM_004655.4 (MANE Select); coding-DNA position 2430, T replaced by C.
Protein change: p.Asp810=; no amino-acid change (aspartic acid 810 retained).
Molecular consequence: synonymous variant.
Genome position (GRCh38, 1-based): chr17:65,530,078, A>G on the plus strand (T>C on the coding strand, the complement: AXIN2 is on the minus strand). VCF-style: chr17-65530078-A-G. GRCh37 (hg19) VCF-style: chr17-63526196-A-G.
Other names: c.2235T>C, p.Asp745= (NM_001363813.1); c.2430T>C (LRG_296t1).
Identifiers: ClinVar variation 385118 (VCV000385118.15), dbSNP rs757835133, ClinGen allele CA8718288.

ClinVar aggregate classification (germline): Benign/Likely benign. Review status: criteria provided, multiple submitters, no conflicts (2 of 4 stars). 4 submissions from 4 submitters: Benign (1); Likely benign (3). Last evaluated 2025-10-23.

Conditions:
Hereditary cancer-predisposing syndrome. Also called: Hereditary Cancer Syndrome; Hereditary neoplastic syndrome; Neoplastic Syndromes, Hereditary; Tumor predisposition. Identifiers: Orphanet 140162, MedGen C0027672, MeSH D009386, MONDO:0015356.
Oligodontia-cancer predisposition syndrome. Also called: TOOTH AGENESIS-COLORECTAL CANCER SYNDROME. Identifiers: Orphanet 300576, MedGen C1837750, MONDO:0012075, OMIM 608615. Disease mechanism: loss of function.

Allele frequency attached by ClinVar (database versions not stated): gnomAD 0.00001; TOPMed 0.00002.

Submissions (4):

Labcorp Genetics (formerly Invitae), Labcorp
Classification: Likely benign for Oligodontia-cancer predisposition syndrome. Last evaluated: 2025-10-23. Review status: criteria provided, single submitter. Criteria: Invitae Variant Classification Sherloc (09022015). Collection method: clinical testing. Allele origin: germline.

Myriad Genetics, Inc.
Classification: Benign for Oligodontia-cancer predisposition syndrome. Last evaluated: 2024-07-11. Review status: criteria provided, single submitter. Criteria: Myriad Autosomal Dominant, Autosomal Recessive and X-Linked Classification Criteria (2023). Collection method: clinical testing. Allele origin: unknown.
Comment: This variant is considered benign. This variant is a silent/synonymous amino acid change and it is not expected to impact splicing.

Ambry Genetics
Classification: Likely benign for Hereditary cancer-predisposing syndrome. Last evaluated: 2021-09-29. Review status: criteria provided, single submitter. Criteria: Ambry Variant Classification Scheme 2023. Collection method: clinical testing. Allele origin: germline.

GeneDx
Classification: Likely benign. Last evaluated: 2016-03-29. Review status: criteria provided, single submitter. Criteria: GeneDx Variant Classification (06012015). Collection method: clinical testing. Allele origin: germline. Affected: yes.
Comment: This variant is considered likely benign or benign based on one or more of the following criteria: it is a conservative change, it occurs at a poorly conserved position in the protein, it is predicted to be benign by multiple in silico algorithms, and/or has population frequency not consistent with disease.